The following is an entry in ClinVar:

ClinVar aggregate classification (germline): Likely benign. Review status: criteria provided, multiple submitters, no conflicts (2 of 4 stars). 5 submissions from 5 submitters: Likely benign (5). Last evaluated 2026-01-16.

Conditions:
POLD1-related polyposis and colorectal cancer syndrome (CRCS10). Also called: Colorectal cancer 10; Colorectal cancer, susceptibility to, 10; COLORECTAL CANCER, SUSCEPTIBILITY TO, ON CHROMOSOME 19q. Identifiers: Orphanet 220460, MedGen C2675481, MONDO:0012953, OMIM 612591.
Hereditary cancer-predisposing syndrome. Also called: Neoplastic Syndromes, Hereditary; Hereditary neoplastic syndrome; Tumor predisposition; Hereditary Cancer Syndrome. Identifiers: Orphanet 140162, MedGen C0027672, MeSH D009386, MONDO:0015356.

Allele frequency attached by ClinVar (database versions not stated): TOPMed below 0.00001; gnomAD 0.00001 and 0.00003; gnomAD exomes 0.00003; ExAC 0.00005; 1000 Genomes Project 30x 0.00031; 1000 Genomes Project 0.00040.
gnomAD v4.1: 48 of 1,613,786 alleles (0.003%); highest among the groups gnomAD compares: South Asian, 0.02%; no homozygotes.

Submissions (5):

Labcorp Genetics (formerly Invitae), Labcorp
Classification: Likely benign for POLD1-related polyposis and colorectal cancer syndrome. Last evaluated: 2026-01-16. Review status: criteria provided, single submitter. Criteria: Invitae Variant Classification Sherloc (09022015). Collection method: clinical testing. Allele origin: germline.

CeGaT Center for Human Genetics Tuebingen
Classification: Likely benign. Last evaluated: 2025-11-01. Review status: criteria provided, single submitter. Criteria: CeGaT Center For Human Genetics Tuebingen Variant Classification Criteria Version 2. Collection method: clinical testing. Allele origin: germline. Affected: yes. Observed: 1 variant allele.
Comment: POLD1: BP4, BP7

Center for Genomic Medicine, Rigshospitalet, Copenhagen University Hospital
Classification: Likely benign. Last evaluated: 2025-03-04. Review status: criteria provided, single submitter. Criteria: ACMG Guidelines, 2015. Collection method: clinical testing. Allele origin: germline.

Ambry Genetics
Classification: Likely benign for Hereditary cancer-predisposing syndrome. Last evaluated: 2018-02-09. Review status: criteria provided, single submitter. Criteria: Ambry Variant Classification Scheme 2023. Collection method: clinical testing. Allele origin: germline.

GeneDx
Classification: Likely benign. Last evaluated: 2016-05-16. Review status: criteria provided, single submitter. Criteria: GeneDx Variant Classification (06012015). Collection method: clinical testing. Allele origin: germline. Affected: yes.
Comment: This variant is considered likely benign or benign based on one or more of the following criteria: it is a conservative change, it occurs at a poorly conserved position in the protein, it is predicted to be benign by multiple in silico algorithms, and/or has population frequency not consistent with disease.

NM_002691.4(POLD1):c.555G>A (p.Pro185=)

Gene: POLD1 (DNA polymerase delta 1, catalytic subunit; plus strand). Cytogenetic location: 19q13.33.
Variant type: single nucleotide variant.
Coding change: c.555G>A on transcript NM_002691.4 (MANE Select); coding-DNA position 555, G replaced by A.
Protein change: p.Pro185=; no amino-acid change (proline 185 retained).
Molecular consequence: synonymous variant. On other transcripts: non-coding transcript variant (1).
Genome position (GRCh38, 1-based): chr19:50,402,090, G>A. VCF-style: chr19-50402090-G-A. GRCh37 (hg19) VCF-style: chr19-50905347-G-A.
Other names: c.555G>A, p.Pro185= (NM_001256849.1, NM_001308632.1).
Identifiers: ClinVar variation 386323 (VCV000386323.21), dbSNP rs543351285, ClinGen allele CA9595792.
Genomic context (GRCh38, chr19:50,402,090, plus strand): 5'-ACGGGAGCTGAACTTGGCCATCAGCCGGGACAGTCGCGGGGGGAGGGAGCTGACTGGGCC[G>A]GCCGTGCTGGCTGTGGAACTGTGCTCCCGAGAGAGTGAGTGCTCCCCCAGGATCAGCGGG-3'
Protein context (NP_002682.2, residues 175-195): DSRGGRELTG[Pro185=]AVLAVELCSR